The following is an entry in ClinVar:

NM_001082486.2(ACD):c.653C>T (p.Ala218Val)

Gene: ACD (ACD shelterin complex subunit and telomerase recruitment factor; minus strand). Cytogenetic location: 16q22.1.
Variant type: single nucleotide variant.
Coding change: c.653C>T on transcript NM_001082486.2 (MANE Select); coding-DNA position 653, C replaced by T.
Protein change: p.Ala218Val; replaces alanine 218 with valine.
Molecular consequence: missense variant.
Genome position (GRCh38, 1-based): chr16:67,658,809, G>A on the plus strand (C>T on the coding strand, the complement: ACD is on the minus strand). VCF-style: chr16-67658809-G-A. GRCh37 (hg19) VCF-style: chr16-67692712-G-A.
Other names: c.653C>T, p.Ala218Val (NM_001410884.1); c.644C>T, p.Ala215Val (NM_022914.3); short protein forms A215V, A218V.
Identifiers: ClinVar variation 1765871 (VCV001765871.7), dbSNP rs1191670402, ClinGen allele CA396353747.

ClinVar aggregate classification (germline): Uncertain significance. Review status: criteria provided, multiple submitters, no conflicts (2 of 4 stars). 2 submissions from 2 submitters: Uncertain significance (2). Last evaluated 2025-01-19.

Conditions:
Dyskeratosis congenita, autosomal dominant 6 (DKCA6). Identifiers: Orphanet 3322, MedGen C4225284, MONDO:0014690, OMIM 616553.
Inborn genetic diseases. Identifiers: MedGen C0950123, MeSH D030342.

Allele frequency attached by ClinVar (database versions not stated): gnomAD exomes below 0.00001; TOPMed below 0.00001.

Submissions (2):

Labcorp Genetics (formerly Invitae), Labcorp
Classification: Uncertain significance for Dyskeratosis congenita, autosomal dominant 6. Last evaluated: 2025-01-19. Review status: criteria provided, single submitter. Criteria: Invitae Variant Classification Sherloc (09022015). Collection method: clinical testing. Allele origin: germline.
Comment: This sequence change replaces alanine, which is neutral and non-polar, with valine, which is neutral and non-polar, at codon 304 of the ACD protein (p.Ala304Val). This variant is not present in population databases (gnomAD no frequency). This variant has not been reported in the literature in individuals affected with ACD-related conditions. ClinVar contains an entry for this variant (Variation ID: 1765871). Invitae Evidence Modeling of protein sequence and biophysical properties (such as structural, functional, and spatial information, amino acid conservation, physicochemical variation, residue mobility, and thermodynamic stability) indicates that this missense variant is expected to disrupt ACD protein function with a positive predictive value of 80%. In summary, the available evidence is currently insufficient to determine the role of this variant in disease. Therefore, it has been classified as a Variant of Uncertain Significance.

Ambry Genetics
Classification: Uncertain significance for Inborn genetic diseases. Last evaluated: 2023-09-07. Review status: criteria provided, single submitter. Criteria: Ambry Variant Classification Scheme 2023. Collection method: clinical testing. Allele origin: germline.
Comment: The p.A304V variant (also known as c.911C>T), located in coding exon 8 of the ACD gene, results from a C to T substitution at nucleotide position 911. The alanine at codon 304 is replaced by valine, an amino acid with similar properties. This amino acid position is conserved. In addition, this alteration is predicted to be tolerated by in silico analysis. Since supporting evidence is limited at this time, the clinical significance of this alteration remains unclear.